The following is an entry in ClinVar:

ClinVar aggregate classification (germline): Uncertain significance (1 of 4 stars; one submission).

Conditions:
Cardiovascular phenotype. Identifiers: MedGen CN230736.

Allele frequency attached by ClinVar (database versions not stated): TOPMed below 0.00001.

Submission:

Ambry Genetics
Classification: Uncertain significance for Cardiovascular phenotype. Last evaluated: 2023-03-17. Review status: criteria provided, single submitter. Criteria: Ambry Variant Classification Scheme 2023. Collection method: clinical testing. Allele origin: germline.
Comment: The p.M281T variant (also known as c.842T>C), located in coding exon 5 of the LDB3 gene, results from a T to C substitution at nucleotide position 842. The methionine at codon 281 is replaced by threonine, an amino acid with similar properties. This amino acid position is not well conserved in available vertebrate species. In addition, the in silico prediction for this alteration is inconclusive. Since supporting evidence is limited at this time, the clinical significance of this alteration remains unclear.

NM_007078.3(LDB3):c.842T>C (p.Met281Thr)

Gene: LDB3 (LIM domain binding 3; plus strand). Cytogenetic location: 10q23.2.
Variant type: single nucleotide variant.
Coding change: c.842T>C on transcript NM_007078.3 (MANE Select); coding-DNA position 842, T replaced by C.
Protein change: p.Met281Thr; replaces methionine 281 with threonine.
Molecular consequence: missense variant.
Genome position (GRCh38, 1-based): chr10:86,692,048, T>C. VCF-style: chr10-86692048-T-C. GRCh37 (hg19) VCF-style: chr10-88451805-T-C.
Other names: c.701T>C, p.Met234Thr (NM_001080114.2, NM_001080116.1, NM_001368066.1 and 2 more transcripts); c.842T>C, p.Met281Thr (NM_001080115.2, NM_001368063.1, NM_001368064.1 and 1 more transcripts); c.1046T>C, p.Met349Thr (NM_001171610.2, NM_001171611.2); short protein forms M281T, M234T, M349T.
Identifiers: ClinVar variation 2449072 (VCV002449072.3), dbSNP rs1845790061, ClinGen allele CA377443410.